The following is an entry in ClinVar:

NM_001270508.2(TNFAIP3):c.1809del (p.Thr604fs)

Gene: TNFAIP3 (TNF alpha induced protein 3; plus strand). Cytogenetic location: 6q23.3.
Variant type: Deletion.
Coding change: c.1809del on transcript NM_001270508.2 (MANE Select); coding-DNA position 1809, one base deleted (G; older notation c.1809delG).
Protein change: p.Thr604fs; shifts the reading frame from threonine 604.
Molecular consequence: frameshift variant.
Genome position (GRCh38, 1-based): chr6:137,879,254, G deleted; the last of 4 consecutive G bases (chr6:137,879,251-137,879,254); deleting any one gives the same sequence. VCF-style (leftmost placement, unchanged base first): chr6-137879250-CG-C. GRCh37 (hg19) VCF-style: chr6-138200387-CG-C.
Other names: c.1809del, p.Thr604fs (NM_001270507.2, NM_006290.4); short protein forms T604fs.
Identifiers: ClinVar variation 219111 (VCV000219111.11), dbSNP rs864321683, ClinGen allele CA347924.

ClinVar aggregate classification (germline): Uncertain significance. Review status: criteria provided, single submitter (1 of 4 stars). 2 submissions from 2 submitters: Uncertain significance (1). 1 of the submissions does not count toward it. Last evaluated 2021-07-13.

Conditions:
Autoinflammatory syndrome, familial, Behcet-like 1 (AIFBL1). Also called: Haploinsufficiency of A20. Identifiers: Orphanet 674762, MedGen C4225218, MONDO:0800045, OMIM 616744.

Submissions (2):

Labcorp Genetics (formerly Invitae), Labcorp
Classification: Uncertain significance. Last evaluated: 2021-07-13. Review status: criteria provided, single submitter. Criteria: Invitae Variant Classification Sherloc (09022015). Collection method: clinical testing. Allele origin: germline.
Comment: In summary, the available evidence is currently insufficient to determine the role of this variant in disease. Therefore, it has been classified as a Variant of Uncertain Significance. This sequence change creates a premature translational stop signal (p.Thr604Argfs*93) in the TNFAIP3 gene. While this is not anticipated to result in nonsense mediated decay, it is expected to disrupt the last 187 amino acid(s) of the TNFAIP3 protein. This variant is not present in population databases (ExAC no frequency). This variant has been observed in individual(s) with autoinflammatory syndrome (PMID: 26642243). This variant is also known as p.T602fs*95. ClinVar contains an entry for this variant (Variation ID: 219111). Experimental studies have shown that this variant affects TNFAIP3 protein function (PMID: 31625129).

OMIM
Classification: Pathogenic for AUTOINFLAMMATORY SYNDROME, FAMILIAL, BEHCET-LIKE 1. Last evaluated: 2016-01-01. Review status: no assertion criteria provided. Collection method: literature only. Allele origin: germline. Not counted in ClinVar's aggregate classification.

Literature cited by the submitters: PubMed 26642243 (cited by Labcorp Genetics (formerly Invitae), Labcorp and OMIM); PubMed 31625129 (cited by Labcorp Genetics (formerly Invitae), Labcorp).